The following is an entry in ClinVar:

ClinVar aggregate classification (germline): Uncertain significance (1 of 4 stars; one submission).

Conditions:
Neuroblastoma, susceptibility to, 3. Also called: ALK-Related Neuroblastic Tumor Susceptibility. Identifiers: Orphanet 635, MedGen C2751681, MONDO:0013083, OMIM 613014.

Submission:

Labcorp Genetics (formerly Invitae), Labcorp
Classification: Uncertain significance for Neuroblastoma, susceptibility to, 3. Last evaluated: 2026-01-17. Review status: criteria provided, single submitter. Criteria: Invitae Variant Classification Sherloc (09022015). Collection method: clinical testing. Allele origin: germline.
Comment: This sequence change replaces valine, which is neutral and non-polar, with leucine, which is neutral and non-polar, at codon 834 of the ALK protein (p.Val834Leu). This variant is not present in population databases (gnomAD no frequency). This variant has not been reported in the literature in individuals affected with ALK-related conditions. An algorithm developed to predict the effect of missense changes on protein structure and function (PolyPhen-2) suggests that this variant is likely to be tolerated. In summary, the available evidence is currently insufficient to determine the role of this variant in disease. Therefore, it has been classified as a Variant of Uncertain Significance.

NM_004304.5(ALK):c.2500G>T (p.Val834Leu)

Gene: ALK (ALK receptor tyrosine kinase; minus strand). Cytogenetic location: 2p23.2.
Variant type: single nucleotide variant.
Coding change: c.2500G>T on transcript NM_004304.5 (MANE Select); coding-DNA position 2500, G replaced by T.
Protein change: p.Val834Leu; replaces valine 834 with leucine.
Molecular consequence: missense variant.
Genome position (GRCh38, 1-based): chr2:29,232,436, C>A on the plus strand (G>T on the coding strand, the complement: ALK is on the minus strand). VCF-style: chr2-29232436-C-A. GRCh37 (hg19) VCF-style: chr2-29455302-C-A.
Other names: short protein forms V834L.
Identifiers: ClinVar variation 4735538 (VCV004735538.1).